The following is an entry in ClinVar:

NM_006204.4(PDE6C):c.246_247del (p.Arg82fs)

Gene: PDE6C (phosphodiesterase 6C; plus strand). Cytogenetic location: 10q23.33.
Variant type: Deletion.
Coding change: c.246_247del on transcript NM_006204.4 (MANE Select); coding-DNA positions 246 to 247, 2 bases deleted (GG; older notation c.246_247delGG).
Protein change: p.Arg82fs; shifts the reading frame from arginine 82.
Molecular consequence: frameshift variant.
Genome position (GRCh38, 1-based): chr10:93,612,971-93,612,972, GG deleted; deleting any 2 consecutive bases within chr10:93,612,970-93,612,972 gives the same sequence; the c. name uses the placement nearest the transcript's 3' end. VCF-style (leftmost placement, unchanged base first): chr10-93612969-AGG-A. GRCh37 (hg19) VCF-style: chr10-95372726-AGG-A.
Other names: short protein forms R82fs.
Identifiers: ClinVar variation 3651657 (VCV003651657.2).

ClinVar aggregate classification (germline): Pathogenic (1 of 4 stars; one submission).

Submission:

Labcorp Genetics (formerly Invitae), Labcorp
Classification: Pathogenic. Last evaluated: 2024-04-30. Review status: criteria provided, single submitter. Criteria: Invitae Variant Classification Sherloc (09022015). Collection method: clinical testing. Allele origin: germline.
Comment: This sequence change creates a premature translational stop signal (p.Arg82Serfs*12) in the PDE6C gene. It is expected to result in an absent or disrupted protein product. Loss-of-function variants in PDE6C are known to be pathogenic (PMID: 19887631, 23776498, 26103963, 30080950). This variant is present in population databases (rs776384738, gnomAD 0.003%). This variant has not been reported in the literature in individuals affected with PDE6C-related conditions. For these reasons, this variant has been classified as Pathogenic.

Literature cited by the submitters: PubMed 19887631; PubMed 23776498; PubMed 26103963; PubMed 30080950.